The following is an entry in ClinVar:

ClinVar aggregate classification (germline): Likely benign. Review status: criteria provided, single submitter (1 of 4 stars). 2 submissions from 2 submitters: Likely benign (1). 1 of the submissions does not count toward it. Last evaluated 2024-12-22.

Conditions:
PTCH1-related disorder. Also called: PTCH1-related disorders; PTCH1-related condition.
Gorlin syndrome. Also called: Nevoid Basal Cell Carcinoma Syndrome; Basal cell nevus syndrome. Identifiers: Orphanet 377, MedGen C0004779, MONDO:0007187.

Allele frequency attached by ClinVar (database versions not stated): gnomAD exomes below 0.00001 and 0.00001; ExAC 0.00001; TOPMed 0.00001.
gnomAD v4.1: 18 of 1,614,132 alleles (0.0011%); highest among the groups gnomAD compares: Non-Finnish European, 0.0014%; no homozygotes.

Submissions (2):

Labcorp Genetics (formerly Invitae), Labcorp
Classification: Likely benign for Gorlin syndrome. Last evaluated: 2024-12-22. Review status: criteria provided, single submitter. Criteria: Invitae Variant Classification Sherloc (09022015). Collection method: clinical testing. Allele origin: germline.

PreventionGenetics, part of Exact Sciences
Classification: Likely benign for PTCH1-related condition. Last evaluated: 2020-11-11. Review status: no assertion criteria provided. Collection method: clinical testing. Allele origin: germline. Not counted in ClinVar's aggregate classification.
Comment: This variant is classified as likely benign based on ACMG/AMP sequence variant interpretation guidelines (Richards et al. 2015 PMID: 25741868, with internal and published modifications).

NM_000264.5(PTCH1):c.1503+7A>C

Gene: PTCH1 (patched 1; minus strand). Cytogenetic location: 9q22.32.
Variant type: single nucleotide variant.
Coding change: c.1503+7A>C on transcript NM_000264.5 (MANE Select); 7 bases into the intron after coding-DNA position 1503, A replaced by C.
Molecular consequence: intron variant.
Genome position (GRCh38, 1-based): chr9:95,477,540, T>G on the plus strand (A>C on the coding strand, the complement: PTCH1 is on the minus strand). VCF-style: chr9-95477540-T-G. GRCh37 (hg19) VCF-style: chr9-98239822-T-G.
Other names: c.1500+7A>C (NM_001083603.3); c.1305+7A>C (NM_001083602.3); c.1347+515A>C (NM_001354918.2); c.1050+7A>C (NM_001083605.3, NM_001083604.3, NM_001083606.3 and 1 more transcripts).
Identifiers: ClinVar variation 771243 (VCV000771243.13), dbSNP rs779797845, ClinGen allele CA5138648.